The following is an entry in ClinVar:

ClinVar aggregate classification (germline): Pathogenic/Likely pathogenic. Review status: criteria provided, multiple submitters, no conflicts (2 of 4 stars). 16 submissions from 16 submitters: Pathogenic (9); Likely pathogenic (2). 5 of the submissions do not count toward it. Last evaluated 2026-08-07.

Conditions:
Bestrophinopathies. Identifiers: MedGen CN381494.
Vitelliform macular dystrophy 2. Also called: MACULAR DEGENERATION, POLYMORPHIC VITELLINE; VITELLIFORM MACULAR DYSTROPHY, EARLY-ONSET; VITELLIFORM MACULAR DYSTROPHY, JUVENILE-ONSET; Best Vitelliform Macular Dystrophy (BVMD); Best vitelliform macular dystrophy, multifocal; Best Macular Dystrophy. Identifiers: Orphanet 1243, MedGen C2745945, MONDO:0007931, OMIM 153700.
Autosomal recessive bestrophinopathy. Also called: Autosomal Recessive Bestrophinopathy (ARB). Identifiers: Orphanet 139455, MedGen C3888198, MONDO:0012733, OMIM 611809.
Macular dystrophy. Identifiers: MedGen C0730292, HP:0007754.
BEST1-related disorder. Also called: BEST1-related disorders; BEST1-related condition. Identifiers: MedGen CN239200.
Retinal dystrophy. Also called: Inherited retinal dystrophy. Identifiers: Orphanet 71862, MedGen C0854723, MeSH D058499, MONDO:0019118, HP:0000556.

Allele frequency attached by ClinVar (database versions not stated): gnomAD 0.00001; gnomAD exomes 0.00001; ExAC 0.00002; TOPMed 0.00002.
gnomAD v4.1: 18 of 1,613,962 alleles (0.0011%); highest among the groups gnomAD compares: Admixed American, 0.0017%; no homozygotes.

Submissions (16):

PreventionGenetics, part of Exact Sciences
Classification: Pathogenic for BEST1-related condition. Last evaluated: 2026-08-07. Review status: criteria provided, single submitter. Criteria: ACMG Guidelines, 2015. Collection method: clinical testing. Allele origin: germline.
Comment: The BEST1 c.653G>A variant is predicted to result in the amino acid substitution p.Arg218His. This variant has been reported in individuals with autosomal dominant Best macular dystrophy (see for examples: Lotery et al. 2000. PubMed ID: 10798642; Moshfegh et al. 2016. PubMed ID: 27193166; Table S1, Stone et al. 2017. PubMed ID: 28559085; Table S1, Lin et al. 2024. PubMed ID: 38219857). This variant was also described in the homozygous state in affected individuals in one family, while heterozygous individuals within the same family were unaffected; the authors suggested that this variant could display incomplete penetrance in the heterozygous state (Hardin et al. 2017. PubMed ID: 28481155). This variant is present in 0.0062% of alleles in individuals of African descent in gnomAD. This variant is interpreted as pathogenic for autosomal dominant disease.

Labcorp Genetics (formerly Invitae), Labcorp
Classification: Pathogenic. Last evaluated: 2026-02-01. Review status: criteria provided, single submitter. Criteria: Invitae Variant Classification Sherloc (09022015). Collection method: clinical testing. Allele origin: germline.
Comment: This sequence change replaces arginine, which is basic and polar, with histidine, which is basic and polar, at codon 218 of the BEST1 protein (p.Arg218His). This variant is present in population databases (rs281865239, gnomAD 0.007%). This missense change has been observed in individuals with autosomal dominant Best vitelliform macular dystrophy and autosomal recessive bestrophinopathy (PMID: 10798642, 28481155, 28559085, 30880907). ClinVar contains an entry for this variant (Variation ID: 99736). Invitae Evidence Modeling of protein sequence and biophysical properties (such as structural, functional, and spatial information, amino acid conservation, physicochemical variation, residue mobility, and thermodynamic stability) indicates that this missense variant is expected to disrupt BEST1 protein function with a positive predictive value of 95%. Experimental studies have shown that this missense change affects BEST1 function (PMID: 27193166). This variant disrupts the p.Arg218 amino acid residue in BEST1. Other variant(s) that disrupt this residue have been determined to be pathogenic (PMID: 10798642, 29781975). This suggests that this residue is clinically significant, and that variants that disrupt this residue are likely to be disease-causing. For these reasons, this variant has been classified as Pathogenic.

Division of Genetic & Genomic Pathology, Hong Kong Children's Hospital
Classification: Pathogenic for Bestrophinopathies. Last evaluated: 2025-03-06. Review status: criteria provided, single submitter. Criteria: ACMG Guidelines, 2015. Collection method: clinical testing. Allele origin: germline. Affected: yes.
Comment: BEST1 c.653G>A p.(Arg218His) is a missense variant located in exon 6 of the gene. It is observed among control populations at a low frequency (gnomAD v4.1.0: total 18 in 1,613,962 alleles in all populations). In vitro electrophysiological studies indicated that this variant impairs channel activity of the BEST1 protein (PMID: 31836750). It has been detected in individuals with autosomal dominant Best vitelliform macular dystrophy (PMID: 10798642, 22448417, 30880907). The computational predictor REVEL predicts the variant to be deleterious at moderate level (REVEL score 0.923). This variant, along with three alternative missense variants at the same codon (p.Arg218Cys, p.Arg218Ser and p.Arg218Leu) have been classified as pathogenic or likely pathogenic in ClinVar (Accession: VCV000099736.38, VCV000099735.17, VCV000099734.3 and VCV002109494.3). For these reasons, the variant BEST1 c.653G>A p.(Arg218His) is classified as pathogenic for autosomal dominant bestrophinopathy.

SingHealth Duke-NUS Institute of Precision Medicine
Classification: Pathogenic for Vitelliform macular dystrophy 2. Last evaluated: 2025-02-05. Review status: criteria provided, single submitter. Criteria: PRISM ACMG Classification Criteria. Collection method: clinical testing. Allele origin: germline. Affected: yes.
Comment: Variant is located in a mutational hotspot where >50% of variants are pathogenic (PM1). Other variants at this amino acid residue have been classified as pathogenic/likely pathogenic (PM5, p.Arg218Leu; p.Arg218Gly; p,Arg218His). REVEL score is 0.923 (PP3_mod). Prevalence in affected patients is greater compared to the general populace (PS4). Experimental studies have shown that this missense change affects BEST1 function (PS3, PMID: 27193166).

Revvity Omics, Revvity
Classification: Pathogenic. Last evaluated: 2025-01-31. Review status: criteria provided, single submitter. Criteria: ACMG Guidelines, 2015. Collection method: clinical testing. Allele origin: germline.

GeneDx
Classification: Pathogenic. Last evaluated: 2024-09-10. Review status: criteria provided, single submitter. Criteria: GeneDx Variant Classification Process June 2021. Collection method: clinical testing. Allele origin: germline. Affected: yes.
Comment: Published functional studies demonstrate a significant to near complete loss of channel activity (PMID: 31836750); In silico analysis supports that this missense variant has a deleterious effect on protein structure/function; This variant is associated with the following publications: (PMID: 30880907, 10798642, 30718709, 22448417, 27193166, 28481155, 26201355, 20381869, 28559085, 30498755, 31519547, 32239196, 31456290, 29781975, 34061021, 32416576, 38219857, 31836750, 36460718, 36729443)

Blueprint Genetics
Classification: Pathogenic for BEST1-related disorders. Last evaluated: 2024-05-27. Review status: criteria provided, single submitter. Criteria: ACMG Guidelines, 2015. Collection method: clinical testing. Allele origin: germline. Affected: yes. Observed: 5 variant alleles.

CeGaT Center for Human Genetics Tuebingen
Classification: Pathogenic. Last evaluated: 2022-03-01. Review status: criteria provided, single submitter. Criteria: CeGaT Center For Human Genetics Tuebingen Variant Classification Criteria Version 2. Collection method: clinical testing. Allele origin: germline. Affected: yes. Observed: 1 variant allele.
Comment: BEST1: PM1, PM2, PM5, PS4:Moderate, PP4, PS3:Supporting

Institute of Medical Molecular Genetics, University of Zurich
Classification: Likely pathogenic for Vitelliform macular dystrophy 2. Last evaluated: 2021-01-30. Review status: criteria provided, single submitter. Criteria: ACMG Guidelines, 2015. Collection method: clinical testing. Allele origin: unknown. Affected: yes.

Institute of Human Genetics, Univ. Regensburg, Univ. Regensburg
Classification: Pathogenic for Retinal dystrophy. Last evaluated: 2021-01-01. Review status: criteria provided, single submitter. Criteria: ACMG Guidelines, 2015. Collection method: clinical testing. Allele origin: germline. Affected: yes.

Juno Genomics, Hangzhou Juno Genomics, Inc
Classification: Likely pathogenic for Autosomal recessive bestrophinopathy; Vitelliform macular dystrophy 2. Review status: criteria provided, single submitter. Criteria: ACMG Guidelines, 2015. Collection method: clinical testing. Allele origin: germline.
Comment: Absent from controls (or at extremely low frequency if recessive) in Genome Aggregation Database.;Well-established in vitro or in vivo functional studies supportive of a damaging effect on the gene or gene product.;The prevalence of the variant in affected individuals is significantly increased compared to the prevalence in controls.;For recessive disorders, detected in trans with a pathogenic variant.;Patient's phenotype or family history is highly specific for a disease with a single genetic etiology.;Novel missense change at an amino acid residue where a different missense change determined to be pathogenic has been seen before.

Sharon lab, Hadassah-Hebrew University Medical Center
Classification: Pathogenic for Best disease. Last evaluated: 2019-06-23. Review status: no assertion criteria provided. Collection method: research. Allele origin: inherited. Affected: yes. Not counted in ClinVar's aggregate classification.

Department of Clinical Genetics, Copenhagen University Hospital, Rigshospitalet
Classification: Pathogenic for Macular dystrophy. Last evaluated: 2018-04-01. Review status: no assertion criteria provided. Collection method: research. Allele origin: unknown. Affected: yes. Study: VeluxRD. Not counted in ClinVar's aggregate classification.

Clinical Genetics DNA and cytogenetics Diagnostics Lab, Erasmus MC, Erasmus Medical Center
Classification: Pathogenic. Review status: no assertion criteria provided. Collection method: clinical testing. Allele origin: germline. Affected: yes. Study: VKGL Data-share Consensus. Not counted in ClinVar's aggregate classification.

Joint Genome Diagnostic Labs from Nijmegen and Maastricht, Radboudumc and MUMC+
Classification: Pathogenic. Review status: no assertion criteria provided. Collection method: clinical testing. Allele origin: germline. Affected: yes. Study: VKGL Data-share Consensus. Not counted in ClinVar's aggregate classification.

Retina International
No classification provided. Review status: no classification provided. Collection method: not provided. Allele origin: not provided. Not counted in ClinVar's aggregate classification.

Literature cited by the submitters: PubMed 10798642 (cited by 3 submitters); PubMed 28481155 (cited by Labcorp Genetics (formerly Invitae), Labcorp and Institute of Human Genetics, Univ. Regensburg, Univ. Regensburg); PubMed 28559085 (cited by Labcorp Genetics (formerly Invitae), Labcorp and Institute of Human Genetics, Univ. Regensburg, Univ. Regensburg); PubMed 30880907 (cited by Labcorp Genetics (formerly Invitae), Labcorp and Division of Genetic & Genomic Pathology, Hong Kong Children's Hospital); PubMed 27193166 (cited by 3 submitters); PubMed 29781975 (cited by Labcorp Genetics (formerly Invitae), Labcorp); PubMed 31836750 (cited by Division of Genetic & Genomic Pathology, Hong Kong Children's Hospital and Institute of Human Genetics, Univ. Regensburg, Univ. Regensburg); PubMed 22448417 (cited by Division of Genetic & Genomic Pathology, Hong Kong Children's Hospital and Institute of Human Genetics, Univ. Regensburg, Univ. Regensburg); PubMed 30498755 (cited by Institute of Human Genetics, Univ. Regensburg, Univ. Regensburg); PubMed 31519547 (cited by Institute of Human Genetics, Univ. Regensburg, Univ. Regensburg); PubMed 32239196 (cited by Institute of Human Genetics, Univ. Regensburg, Univ. Regensburg); PubMed 31456290 (cited by Institute of Human Genetics, Univ. Regensburg, Univ. Regensburg); PubMed 36460718 (cited by Institute of Human Genetics, Univ. Regensburg, Univ. Regensburg); PubMed 30718709 (cited by Department of Clinical Genetics, Copenhagen University Hospital, Rigshospitalet).

NM_004183.4(BEST1):c.653G>A (p.Arg218His)

Gene: BEST1 (bestrophin 1; plus strand). Cytogenetic location: 11q12.3.
Variant type: single nucleotide variant.
Coding change: c.653G>A on transcript NM_004183.4 (MANE Select); coding-DNA position 653, G replaced by A.
Protein change: p.Arg218His; replaces arginine 218 with histidine.
Molecular consequence: missense variant. On other transcripts: non-coding transcript variant (1).
Genome position (GRCh38, 1-based): chr11:61,957,403, G>A. VCF-style: chr11-61957403-G-A. GRCh37 (hg19) VCF-style: chr11-61724875-G-A.
Other names: c.473G>A, p.Arg158His (NM_001139443.3, NM_001300786.2, NM_001300787.2); c.335G>A, p.Arg112His (NM_001363591.3); c.653G>A, p.Arg218His (NM_001363592.2); c.-523G>A (NM_001363593.3); short protein forms R218H, R112H, R158H.
Identifiers: ClinVar variation 99736 (VCV000099736.57), dbSNP rs281865239, ClinGen allele CA227796.